The following is an entry in ClinVar:

ClinVar aggregate classification (germline): Uncertain significance (0 of 4 stars; one submission).

Submission:

Martin Pollak Laboratory,  Beth Israel Deaconess Medical Center
Classification: Uncertain significance. Review status: no assertion criteria provided. Collection method: not provided. Allele origin: unknown.
Comment: Lower UCa2+ group
ClinVar note: Converted during submission from unknown to Uncertain significance.

NM_000316.3(PTH1R):c.526A>T (p.Asn176Tyr)

Gene: PTH1R (parathyroid hormone 1 receptor; plus strand). Cytogenetic location: 3p21.31.
Variant type: single nucleotide variant.
Coding change: c.526A>T on transcript NM_000316.3 (MANE Select); coding-DNA position 526, A replaced by T.
Protein change: p.Asn176Tyr; replaces asparagine 176 with tyrosine.
Molecular consequence: missense variant.
Genome position (GRCh38, 1-based): chr3:46,898,175, A>T. VCF-style: chr3-46898175-A-T. GRCh37 (hg19) VCF-style: chr3-46939665-A-T.
Other names: c.526A>T, p.Asn176Tyr (NM_001184744.1); short protein forms N176Y.
Identifiers: ClinVar variation 64400 (VCV000064400.2), dbSNP rs387907457, ClinGen allele CA216062.